The following is an entry in ClinVar:

ClinVar aggregate classification (germline): Likely benign (0 of 4 stars; one submission).

Conditions:
PPP2R1B-related disorder. Also called: PPP2R1B-related condition.

Allele frequency attached by ClinVar (database versions not stated): ExAC 0.00001; TOPMed 0.00002; gnomAD exomes 0.00001; gnomAD 0.00002.
gnomAD v4.1: 19 of 1,612,642 alleles (0.0012%); highest among the groups gnomAD compares: Admixed American, 0.0033%; no homozygotes.

Submission:

PreventionGenetics, part of Exact Sciences
Classification: Likely benign for PPP2R1B-related condition. Last evaluated: 2019-09-17. Review status: no assertion criteria provided. Collection method: clinical testing. Allele origin: germline.
Comment: This variant is classified as likely benign based on ACMG/AMP sequence variant interpretation guidelines (Richards et al. 2015 PMID: 25741868, with internal and published modifications).

NC_000011.10:g.111726958T>C

Genes: PPP2R1B (protein phosphatase 2 scaffold subunit Abeta; minus strand), SIK2 (salt inducible kinase 2; plus strand). Cytogenetic location: 11q23.1.
Variant type: single nucleotide variant.
Molecular consequence: 3 prime UTR variant (on NM_015191.3).
Genome position: GRCh38 VCF-style: chr11-111726958-T-C. GRCh37 (hg19) VCF-style: chr11-111597682-T-C.
Other names: c.*2829T>C (NM_015191.3); c.*7A>G (NM_181699.3, NM_181700.2).
Identifiers: ClinVar variation 3041075 (VCV003041075.2), dbSNP rs756932481, ClinGen allele CA6273595.